The following is an entry in ClinVar:

ClinVar aggregate classification (germline): Uncertain significance (1 of 4 stars; one submission).

Conditions:
Neurofibromatosis, type 1 (NF1). Also called: VON RECKLINGHAUSEN DISEASE; Peripheral type neurofibromatosis; NEUROFIBROMATOSIS, TYPE I, SOMATIC; Neurofibromatosis, type I. Identifiers: Orphanet 636, MedGen C0027831, MONDO:0018975, OMIM 162200. Disease mechanism: loss of function.

Submission:

Labcorp Genetics (formerly Invitae), Labcorp
Classification: Uncertain significance for Neurofibromatosis, type 1. Last evaluated: 2024-02-06. Review status: criteria provided, single submitter. Criteria: Invitae Variant Classification Sherloc (09022015). Collection method: clinical testing. Allele origin: germline.
Comment: This sequence change falls in intron 54 of the NF1 gene. It does not directly change the encoded amino acid sequence of the NF1 protein. It affects a nucleotide within the consensus splice site. This variant is not present in population databases (gnomAD no frequency). This variant has not been reported in the literature in individuals affected with NF1-related conditions. Variants that disrupt the consensus splice site are a relatively common cause of aberrant splicing (PMID: 17576681, 9536098). RNA analysis performed to evaluate the impact of this variant on mRNA splicing indicates it does not significantly alter splicing (Invitae). In summary, the available evidence is currently insufficient to determine the role of this variant in disease. Therefore, it has been classified as a Variant of Uncertain Significance.

Literature cited by the submitters: PubMed 17576681; PubMed 9536098.

NM_001042492.3(NF1):c.8113+5del

Gene: NF1 (neurofibromin 1; plus strand). Cytogenetic location: 17q11.2.
Variant type: Deletion.
Coding change: c.8113+5del on transcript NM_001042492.3 (MANE Select); 5 bases into the intron after coding-DNA position 8113, one base deleted (A; older notation c.8113+5delA).
Molecular consequence: intron variant.
Genome position (GRCh38, 1-based): chr17:31,358,627, A deleted; the last of 3 consecutive A bases (chr17:31,358,625-31,358,627); deleting any one gives the same sequence. VCF-style (leftmost placement, unchanged base first): chr17-31358624-TA-T. GRCh37 (hg19) VCF-style: chr17-29685642-TA-T.
Other names: c.8050+5del (NM_000267.4).
Identifiers: ClinVar variation 3639211 (VCV003639211.2).